The following is an entry in ClinVar:

ClinVar aggregate classification (germline): Uncertain significance (1 of 4 stars; one submission).

Allele frequency attached by ClinVar (database versions not stated): gnomAD 0.00005; TOPMed 0.00006; ESP Exome Variant Server 0.00008; gnomAD exomes 0.00009; ExAC 0.00013.
gnomAD v4.1: 144 of 1,613,600 alleles (0.0089%); highest among the groups gnomAD compares: East Asian, 0.16%; no homozygotes.

Submission:

Labcorp Genetics (formerly Invitae), Labcorp
Classification: Uncertain significance. Last evaluated: 2022-08-02. Review status: criteria provided, single submitter. Criteria: Invitae Variant Classification Sherloc (09022015). Collection method: clinical testing. Allele origin: germline.
Comment: This sequence change replaces alanine, which is neutral and non-polar, with valine, which is neutral and non-polar, at codon 2248 of the MYO18B protein (p.Ala2248Val). This variant is present in population databases (rs370698369, gnomAD 0.1%). This variant has not been reported in the literature in individuals affected with MYO18B-related conditions. Algorithms developed to predict the effect of missense changes on protein structure and function are either unavailable or do not agree on the potential impact of this missense change (SIFT: "Not Available"; PolyPhen-2: "Possibly Damaging"; Align-GVGD: "Not Available"). In summary, the available evidence is currently insufficient to determine the role of this variant in disease. Therefore, it has been classified as a Variant of Uncertain Significance.

NM_032608.7(MYO18B):c.6743C>T (p.Ala2248Val)

Gene: MYO18B (myosin XVIIIB; plus strand). Cytogenetic location: 22q12.1.
Variant type: single nucleotide variant.
Coding change: c.6743C>T on transcript NM_032608.7 (MANE Select); coding-DNA position 6743, C replaced by T.
Protein change: p.Ala2248Val; replaces alanine 2248 with valine.
Molecular consequence: missense variant.
Genome position (GRCh38, 1-based): chr22:26,026,717, C>T. VCF-style: chr22-26026717-C-T. GRCh37 (hg19) VCF-style: chr22-26422683-C-T.
Other names: c.6746C>T, p.Ala2249Val (NM_001318245.2); short protein forms A2249V, A2248V.
Identifiers: ClinVar variation 1982604 (VCV001982604.1), dbSNP rs370698369, ClinGen allele CA10161601.